The following is an entry in ClinVar:

NM_004304.5(ALK):c.2585A>C (p.Glu862Ala)

Gene: ALK (ALK receptor tyrosine kinase; minus strand). Cytogenetic location: 2p23.2.
Variant type: single nucleotide variant.
Coding change: c.2585A>C on transcript NM_004304.5 (MANE Select); coding-DNA position 2585, A replaced by C.
Protein change: p.Glu862Ala; replaces glutamic acid 862 with alanine.
Molecular consequence: missense variant.
Genome position (GRCh38, 1-based): chr2:29,232,351, T>G on the plus strand (A>C on the coding strand, the complement: ALK is on the minus strand). VCF-style: chr2-29232351-T-G. GRCh37 (hg19) VCF-style: chr2-29455217-T-G.
Other names: short protein forms E862A.
Identifiers: ClinVar variation 3855481 (VCV003855481.1).

ClinVar aggregate classification (germline): Uncertain significance (1 of 4 stars; one submission).

Conditions:
Hereditary cancer-predisposing syndrome. Also called: Hereditary neoplastic syndrome; Neoplastic Syndromes, Hereditary; Tumor predisposition; Hereditary Cancer Syndrome. Identifiers: Orphanet 140162, MedGen C0027672, MeSH D009386, MONDO:0015356.

Submission:

Ambry Genetics
Classification: Uncertain significance for Hereditary cancer-predisposing syndrome. Last evaluated: 2025-01-23. Review status: criteria provided, single submitter. Criteria: Ambry Variant Classification Scheme 2023. Collection method: clinical testing. Allele origin: germline.
Comment: The p.E862A variant (also known as c.2585A>C), located in coding exon 15 of the ALK gene, results from an A to C substitution at nucleotide position 2585. The glutamic acid at codon 862 is replaced by alanine, an amino acid with dissimilar properties. This amino acid position is conserved. In addition, the in silico prediction for this alteration is inconclusive. Based on the available evidence, the clinical significance of this variant remains unclear.